The following is an entry in ClinVar:

NM_194248.3(OTOF):c.4936C>T (p.Pro1646Ser)

Gene: OTOF (otoferlin; minus strand). Cytogenetic location: 2p23.3.
Variant type: single nucleotide variant.
Coding change: c.4936C>T on transcript NM_194248.3 (MANE Select); coding-DNA position 4936, C replaced by T.
Protein change: p.Pro1646Ser; replaces proline 1646 with serine.
Molecular consequence: missense variant.
Genome position (GRCh38, 1-based): chr2:26,464,893, G>A on the plus strand (C>T on the coding strand, the complement: OTOF is on the minus strand). VCF-style: chr2-26464893-G-A. GRCh37 (hg19) VCF-style: chr2-26687761-G-A.
Other names: c.4936C>T, p.Pro1646Ser (NM_001287489.2); c.2635C>T, p.Pro879Ser (NM_004802.4, NM_194323.3); c.2866C>T, p.Pro956Ser (NM_194322.3); short protein forms P1646S, P879S, P956S.
Identifiers: ClinVar variation 21856 (VCV000021856.26), dbSNP rs17005371, ClinGen allele CA142909.

ClinVar aggregate classification (germline): Benign/Likely benign. Review status: criteria provided, multiple submitters, no conflicts (2 of 4 stars). 11 submissions from 11 submitters: Benign (9); Likely benign (1). 1 of the submissions does not count toward it. Last evaluated 2026-02-04.

Conditions:
Autosomal recessive nonsyndromic hearing loss 9. Also called: OTOF-Related Hearing Loss; AUDITORY NEUROPATHY, AUTOSOMAL RECESSIVE, 1, TEMPERATURE-SENSITIVE; Deafness, autosomal recessive 9; NEUROSENSORY NONSYNDROMIC RECESSIVE DEAFNESS 9. Identifiers: Orphanet 90636, MedGen C1832828, MONDO:0010986, OMIM 601071.

Allele frequency attached by ClinVar (database versions not stated): ESP Exome Variant Server 0.15831; TOPMed 0.15873; 1000 Genomes Project 0.15974; 1000 Genomes Project 30x 0.16724.
gnomAD v4.1: 54,842 of 1,600,522 alleles (3.4%); highest among the groups gnomAD compares: African/African-American, 46%; 8,235 homozygotes.

Submissions (11):

Labcorp Genetics (formerly Invitae), Labcorp
Classification: Benign. Last evaluated: 2026-02-04. Review status: criteria provided, single submitter. Criteria: Invitae Variant Classification Sherloc (09022015). Collection method: clinical testing. Allele origin: germline.

Blueprint Genetics
Classification: Likely benign. Last evaluated: 2024-11-26. Review status: criteria provided, single submitter. Criteria: ACMG Guidelines, 2015. Collection method: clinical testing. Allele origin: germline.

Mayo Clinic Laboratories, Mayo Clinic
Classification: Benign. Last evaluated: 2022-04-17. Review status: criteria provided, single submitter. Criteria: ACMG Guidelines, 2015. Collection method: clinical testing. Allele origin: germline. Observed: 19 variant alleles.

Athena Diagnostics
Classification: Benign. Last evaluated: 2018-05-23. Review status: criteria provided, single submitter. Criteria: Athena Diagnostics Criteria. Collection method: clinical testing. Allele origin: germline.

Illumina Laboratory Services, Illumina
Classification: Benign for Autosomal recessive nonsyndromic hearing loss 9. Last evaluated: 2018-01-12. Review status: criteria provided, single submitter. Criteria: ICSL Variant Classification Criteria 13 December 2019. Collection method: clinical testing. Allele origin: germline.
Comment: This variant was observed in the ICSL laboratory as part of a predisposition screen in an ostensibly healthy population. It had not been previously curated by ICSL or reported in the Human Gene Mutation Database (HGMD: prior to June 1st, 2018), and was therefore a candidate for classification through an automated scoring system. Utilizing variant allele frequency, disease prevalence and penetrance estimates, and inheritance mode, an automated score was calculated to assess if this variant is too frequent to cause the disease. Based on the score and internal cut-off values, a variant classified as benign is not then subjected to further curation. The score for this variant resulted in a classification of benign for this disease.

GeneDx
Classification: Benign. Last evaluated: 2017-11-10. Review status: criteria provided, single submitter. Criteria: GeneDx Variant Classification (06012015). Collection method: clinical testing. Allele origin: germline. Affected: yes.
Comment: This variant is considered likely benign or benign based on one or more of the following criteria: it is a conservative change, it occurs at a poorly conserved position in the protein, it is predicted to be benign by multiple in silico algorithms, and/or has population frequency not consistent with disease.

Eurofins Ntd Llc (ga)
Classification: Benign. Last evaluated: 2016-03-21. Review status: criteria provided, single submitter. Criteria: EGL Classification Definitions 2015. Collection method: clinical testing. Allele origin: germline. Observed: 5 variant alleles, 4 heterozygotes, 1 homozygote.

Laboratory for Molecular Medicine, Mass General Brigham Personalized Medicine
Classification: Benign. Last evaluated: 2008-02-19. Review status: criteria provided, single submitter. Criteria: LMM Criteria. Collection method: clinical testing. Allele origin: germline. Observed: 222 variant alleles.

Breakthrough Genomics
Classification: Benign. Review status: criteria provided, single submitter. Criteria: ACMG Guidelines, 2015. Collection method: not provided. Allele origin: germline. Inheritance: Autosomal recessive inheritance. Affected: yes.

PreventionGenetics, part of Exact Sciences
Classification: Benign. Review status: criteria provided, single submitter. Criteria: ACMG Guidelines, 2015. Collection method: clinical testing. Allele origin: germline.

GeneReviews
No classification provided. Condition: Autosomal recessive nonsyndromic hearing loss 9. Review status: no classification provided. Collection method: literature only. Allele origin: unknown. Not counted in ClinVar's aggregate classification.

Literature cited by the submitters: PubMed 22607986 (cited by Laboratory for Molecular Medicine, Mass General Brigham Personalized Medicine); PubMed 20301429 (cited by GeneReviews); NCBI Bookshelf NBK1251 (cited by GeneReviews).